The following is an entry in ClinVar:

NM_139076.3(ABRAXAS1):c.76G>C (p.Asp26His)

Genes: ABRAXAS1 (abraxas 1, BRCA1 A complex subunit; minus strand), LOC129992784 (ATAC-STARR-seq lymphoblastoid silent region 15542; plus strand). Cytogenetic location: 4q21.23.
Variant type: single nucleotide variant.
Coding change: c.76G>C on transcript NM_139076.3 (MANE Select); coding-DNA position 76, G replaced by C.
Protein change: p.Asp26His; replaces aspartic acid 26 with histidine.
Molecular consequence: missense variant. On other transcripts: 5 prime UTR variant (1).
Genome position (GRCh38, 1-based): chr4:83,484,997, C>G on the plus strand (G>C on the coding strand, the complement: ABRAXAS1 is on the minus strand). VCF-style: chr4-83484997-C-G. GRCh37 (hg19) VCF-style: chr4-84406150-C-G.
Other names: c.-185G>C (NM_001345962.2); short protein forms D26H.
Identifiers: ClinVar variation 2996385 (VCV002996385.3), dbSNP rs955473473, ClinGen allele CA357263901.

ClinVar aggregate classification (germline): Uncertain significance (1 of 4 stars; one submission).

Submission:

Labcorp Genetics (formerly Invitae), Labcorp
Classification: Uncertain significance. Last evaluated: 2023-10-24. Review status: criteria provided, single submitter. Criteria: Invitae Variant Classification Sherloc (09022015). Collection method: clinical testing. Allele origin: germline.
Comment: This sequence change replaces aspartic acid, which is acidic and polar, with histidine, which is basic and polar, at codon 26 of the ABRAXAS1 protein (p.Asp26His). This variant is not present in population databases (gnomAD no frequency). This variant has not been reported in the literature in individuals affected with ABRAXAS1-related conditions. Advanced modeling of protein sequence and biophysical properties (such as structural, functional, and spatial information, amino acid conservation, physicochemical variation, residue mobility, and thermodynamic stability) performed at Invitae indicates that this missense variant is not expected to disrupt ABRAXAS1 protein function with a negative predictive value of 80%. In summary, the available evidence is currently insufficient to determine the role of this variant in disease. Therefore, it has been classified as a Variant of Uncertain Significance.